The following is an entry in ClinVar:

NM_000492.4(CFTR):c.4244T>G (p.Val1415Gly)

Genes: CFTR (CF transmembrane conductance regulator; plus strand), LOC111674477 (CFTR intron 23 enhancer; plus strand). Cytogenetic location: 7q31.2.
Variant type: single nucleotide variant.
Coding change: c.4244T>G on transcript NM_000492.4 (MANE Select); coding-DNA position 4244, T replaced by G.
Protein change: p.Val1415Gly; replaces valine 1415 with glycine.
Molecular consequence: missense variant.
Genome position (GRCh38, 1-based): chr7:117,666,909, T>G. VCF-style: chr7-117666909-T-G. GRCh37 (hg19) VCF-style: chr7-117306963-T-G.
Other names: short protein forms V1415G.
Identifiers: ClinVar variation 1024644 (VCV001024644.10), dbSNP rs779591474, ClinGen allele CA368984361.
Genomic context (GRCh38, chr7:117,666,909, plus strand): 5'-TCCCTGCTCTGGTCTGACCTGCCTTCTGTCCCAGATCTCACTAACAGCCATTTCCCTAGG[T>G]CATAGAAGAGAACAAAGTGCGGCAGTACGATTCCATCCAGAAACTGCTGAACGAGAGGAG-3'
Protein context (NP_000483.3, residues 1405-1425): EAMLECQQFL[Val1415Gly]IEENKVRQYD

ClinVar aggregate classification (germline): Uncertain significance. Review status: criteria provided, single submitter (1 of 4 stars). 2 submissions from 2 submitters: Uncertain significance (1). 1 of the submissions does not count toward it. Last evaluated 2022-02-18.

Conditions:
Cystic fibrosis (CF). Also called: MUCOVISCIDOSIS. Identifiers: Orphanet 586, MedGen C0010674, MONDO:0009061, OMIM 219700. Disease mechanism: loss of function.
CFTR-related disorder (CFTR-RD). Also called: CFTR-related disorders; CFTR-related condition. Identifiers: MedGen C5924204, MONDO:7770004.

Allele frequency attached by ClinVar (database versions not stated): gnomAD exomes below 0.00001.
gnomAD v4.1: 2 of 1,613,914 alleles (0.00012%); highest among the groups gnomAD compares: South Asian, 0.0022%; no homozygotes.

Submissions (2):

Labcorp Genetics (formerly Invitae), Labcorp
Classification: Uncertain significance for Cystic fibrosis. Last evaluated: 2022-02-18. Review status: criteria provided, single submitter. Criteria: Invitae Variant Classification Sherloc (09022015). Collection method: clinical testing. Allele origin: germline.
Comment: In summary, the available evidence is currently insufficient to determine the role of this variant in disease. Therefore, it has been classified as a Variant of Uncertain Significance. Algorithms developed to predict the effect of missense changes on protein structure and function are either unavailable or do not agree on the potential impact of this missense change (SIFT: "Deleterious"; PolyPhen-2: "Benign"; Align-GVGD: "Class C0"). ClinVar contains an entry for this variant (Variation ID: 1024644). This variant has not been reported in the literature in individuals affected with CFTR-related conditions. This variant is present in population databases (no rsID available, gnomAD 0.003%). This sequence change replaces valine, which is neutral and non-polar, with glycine, which is neutral and non-polar, at codon 1415 of the CFTR protein (p.Val1415Gly).

Natera, Inc.
Classification: Uncertain significance for CFTR-related disorders. Last evaluated: 2018-06-13. Review status: no assertion criteria provided. Collection method: clinical testing. Allele origin: germline. Not counted in ClinVar's aggregate classification.